The following is an entry in ClinVar:

NM_001144061.2(COPB1):c.2649C>G (p.Ala883=)

Gene: COPB1 (coat protein complex I subunit beta 1; minus strand). Cytogenetic location: 11p15.2.
Variant type: single nucleotide variant.
Coding change: c.2649C>G on transcript NM_001144061.2 (MANE Select); coding-DNA position 2649, C replaced by G.
Protein change: p.Ala883=; no amino-acid change (alanine 883 retained).
Molecular consequence: synonymous variant.
Genome position (GRCh38, 1-based): chr11:14,458,685, G>C on the plus strand (C>G on the coding strand, the complement: COPB1 is on the minus strand). VCF-style: chr11-14458685-G-C. GRCh37 (hg19) VCF-style: chr11-14480231-G-C.
Other names: c.2649C>G, p.Ala883= (NM_001144062.2, NM_016451.5).
Identifiers: ClinVar variation 3772234 (VCV003772234.13).

ClinVar aggregate classification (germline): Likely benign (1 of 4 stars; one submission).

gnomAD v4.1: 5 of 1,606,964 alleles (0.00031%); highest among the groups gnomAD compares: Non-Finnish European, 0.00042%; no homozygotes.

Submission:

CeGaT Center for Human Genetics Tuebingen
Classification: Likely benign. Last evaluated: 2025-01-01. Review status: criteria provided, single submitter. Criteria: CeGaT Center For Human Genetics Tuebingen Variant Classification Criteria Version 2. Collection method: clinical testing. Allele origin: germline. Affected: yes. Observed: 1 variant allele.
Comment: COPB1: BP4, BP7